The following is an entry in ClinVar:

NM_016292.3(TRAP1):c.1368C>T (p.Thr456=)

Gene: TRAP1 (TNF receptor associated protein 1; minus strand). Cytogenetic location: 16p13.3.
Variant type: single nucleotide variant.
Coding change: c.1368C>T on transcript NM_016292.3 (MANE Select); coding-DNA position 1368, C replaced by T.
Protein change: p.Thr456=; no amino-acid change (threonine 456 retained).
Molecular consequence: synonymous variant.
Genome position (GRCh38, 1-based): chr16:3,665,986, G>A on the plus strand (C>T on the coding strand, the complement: TRAP1 is on the minus strand). VCF-style: chr16-3665986-G-A. GRCh37 (hg19) VCF-style: chr16-3715987-G-A.
Other names: c.1209C>T, p.Thr403= (NM_001272049.2); c.1368C>T (NM_016292.2).
Identifiers: ClinVar variation 1566586 (VCV001566586.9), dbSNP rs201237207, ClinGen allele CA7868131.

ClinVar aggregate classification (germline): Likely benign. Review status: criteria provided, multiple submitters, no conflicts (2 of 4 stars). 2 submissions from 2 submitters: Likely benign (2). Last evaluated 2026-07-07.

Conditions:
TRAP1-related disorder. Also called: TRAP1-related condition.

Allele frequency attached by ClinVar (database versions not stated): gnomAD 0.00021 and 0.00022; ESP Exome Variant Server 0.00023; TOPMed 0.00015.
gnomAD v4.1: 263 of 1,613,598 alleles (0.016%); highest among the groups gnomAD compares: Non-Finnish European, 0.019%; no homozygotes.

Submissions (2):

PreventionGenetics, part of Exact Sciences
Classification: Likely benign for TRAP1-related condition. Last evaluated: 2026-07-07. Review status: criteria provided, single submitter. Criteria: ACMG Guidelines, 2015. Collection method: clinical testing. Allele origin: germline.
Comment: This variant is classified as likely benign based on ACMG/AMP sequence variant interpretation guidelines (Richards et al. 2015 PMID: 25741868, with internal and published modifications).

Labcorp Genetics (formerly Invitae), Labcorp
Classification: Likely benign. Last evaluated: 2025-12-06. Review status: criteria provided, single submitter. Criteria: Invitae Variant Classification Sherloc (09022015). Collection method: clinical testing. Allele origin: germline.